The following is an entry in ClinVar:

NM_022455.5(NSD1):c.7876dup (p.Ala2626fs)

Gene: NSD1 (nuclear receptor binding SET domain protein 1; plus strand). Cytogenetic location: 5q35.3.
Variant type: Duplication.
Coding change: c.7876dup on transcript NM_022455.5 (MANE Select); coding-DNA position 7876, one base duplicated (G; older notation c.7876dupG).
Protein change: p.Ala2626fs; shifts the reading frame from alanine 2626.
Molecular consequence: frameshift variant.
Genome position (GRCh38, 1-based): chr5:177,295,244, G duplicated; the last of 3 consecutive G bases (chr5:177,295,242-177,295,244); duplicating any one gives the same sequence. VCF-style (leftmost placement, unchanged base first): chr5-177295241-T-TG. GRCh37 (hg19) VCF-style: chr5-176722242-T-TG.
Other names: c.7003dup, p.Ala2335fs (NM_001365684.2, NM_001409308.1, NM_172349.5); c.7876dup, p.Ala2626fs (NM_001409301.1, NM_001409302.1, NM_001409303.1); c.7456dup, p.Ala2486fs (NM_001409304.1); c.7123dup, p.Ala2375fs (NM_001409305.1); c.7114dup, p.Ala2372fs (NM_001409306.1, NM_001409307.1); c.6754dup, p.Ala2252fs (NM_001409309.1); c.7876dupG (NM_022455.4); short protein forms A2252fs, A2335fs, A2372fs, A2375fs, A2486fs, A2626fs.
Identifiers: ClinVar variation 3031334 (VCV003031334.2), dbSNP rs2480840929, ClinGen allele CA2740094189.

ClinVar aggregate classification (germline): Uncertain significance (0 of 4 stars; one submission).

Conditions:
NSD1-related disorder. Also called: NSD1-related condition.

Submission:

PreventionGenetics, part of Exact Sciences
Classification: Uncertain significance for NSD1-related condition. Last evaluated: 2023-11-25. Review status: no assertion criteria provided. Collection method: clinical testing. Allele origin: germline.
Comment: The NSD1 c.7876dupG variant is predicted to result in a frameshift and premature protein termination (p.Ala2626Glyfs*57). To our knowledge, this variant has not been reported in the literature or in a large population database, indicating this variant is rare. This truncating variant occurs in the last exon and is predicted to escape from nonsense-mediated mRNA decay. Although we suspect that this variant may be pathogenic, at this time, the clinical significance of this variant is uncertain due to the absence of conclusive functional and genetic evidence.